The following is an entry in ClinVar:

ClinVar aggregate classification (germline): Uncertain significance (1 of 4 stars; one submission).

Conditions:
Epilepsy, idiopathic generalized, susceptibility to, 13. Also called: EPILEPSY, JUVENILE MYOCLONIC, SUSCEPTIBILITY TO, 5. Identifiers: Orphanet 307, Orphanet 64280, MedGen C4013473, MONDO:0012627, OMIM 611136.
Idiopathic generalized epilepsy. Also called: Generalised epilepsy; EIG. Identifiers: MedGen C0270850, MONDO:0005579, OMIM 600669.
Epilepsy, childhood absence 4 (ECA4). Also called: EPILEPSY, CHILDHOOD ABSENCE, SUSCEPTIBILITY TO, 4. Identifiers: Orphanet 307, MedGen C1970160.

Submission:

Labcorp Genetics (formerly Invitae), Labcorp
Classification: Uncertain significance for Epilepsy, childhood absence 4; Epilepsy, idiopathic generalized, susceptibility to, 13; Idiopathic generalized epilepsy. Last evaluated: 2022-08-01. Review status: criteria provided, single submitter. Criteria: Invitae Variant Classification Sherloc (09022015). Collection method: clinical testing. Allele origin: germline.
Comment: In summary, the available evidence is currently insufficient to determine the role of this variant in disease. Therefore, it has been classified as a Variant of Uncertain Significance. This sequence change results in a frameshift in the GABRA1 gene (p.Ala451Serfs*30). While this is not anticipated to result in nonsense mediated decay, it is expected to disrupt the last 6 amino acid(s) of the GABRA1 protein and extend the protein by 23 additional amino acid residues. This variant is not present in population databases (gnomAD no frequency). This variant has not been reported in the literature in individuals affected with GABRA1-related conditions. Experimental studies and prediction algorithms are not available or were not evaluated, and the functional significance of this variant is currently unknown.

NM_001127644.2(GABRA1):c.1350dup (p.Ala451fs)

Gene: GABRA1 (gamma-aminobutyric acid type A receptor subunit alpha1; plus strand). Cytogenetic location: 5q34.
Variant type: Duplication.
Coding change: c.1350dup on transcript NM_001127644.2 (MANE Select); coding-DNA position 1350, one base duplicated (A; older notation c.1350dupA).
Protein change: p.Ala451fs; shifts the reading frame from alanine 451.
Molecular consequence: frameshift variant.
Genome position (GRCh38, 1-based): chr5:161,897,401, A duplicated; the last of 4 consecutive A bases (chr5:161,897,398-161,897,401); duplicating any one gives the same sequence. VCF-style (leftmost placement, unchanged base first): chr5-161897397-T-TA. GRCh37 (hg19) VCF-style: chr5-161324403-T-TA.
Other names: c.1350dup, p.Ala451fs (NM_000806.5, NM_001127643.2, NM_001127645.2 and 1 more transcripts); short protein forms A451fs.
Identifiers: ClinVar variation 2020266 (VCV002020266.4), dbSNP rs2532296828, ClinGen allele CA2580074006.
Genomic context (GRCh38, chr5:161,897,397, plus strand): 5'-TGCTATTTGGAATCTTTAACTTAGTCTACTGGGCTACGTATTTAAACAGAGAGCCTCAGC[T>TA]AAAAGCCCCCACACCACATCAATAGATCTTTTACTCACATTCTGTTGTTCAGTCCTCTGC-3'